The following is an entry in ClinVar:

ClinVar aggregate classification (germline): Benign/Likely benign. Review status: criteria provided, multiple submitters, no conflicts (2 of 4 stars). 4 submissions from 4 submitters: Benign (3); Likely benign (1). Last evaluated 2025-12-24.

Conditions:
Pseudohypoaldosteronism type 2B (PHA2B). Also called: Pseudohypoaldosteronism Type IIB. Identifiers: Orphanet 757, Orphanet 88939, MedGen C1840390, MONDO:0013777, OMIM 614491.

Allele frequency attached by ClinVar (database versions not stated): gnomAD exomes 0.00024 and 0.00059; ExAC 0.00064; gnomAD 0.00228 and 0.00236; ESP Exome Variant Server 0.00231; TOPMed 0.00252; 1000 Genomes Project 30x 0.00265; 1000 Genomes Project 0.00280.

Submissions (4):

Labcorp Genetics (formerly Invitae), Labcorp
Classification: Benign. Last evaluated: 2025-12-24. Review status: criteria provided, single submitter. Criteria: Invitae Variant Classification Sherloc (09022015). Collection method: clinical testing. Allele origin: germline.

Blueprint Genetics
Classification: Likely benign. Last evaluated: 2024-11-01. Review status: criteria provided, single submitter. Criteria: ACMG Guidelines, 2015. Collection method: clinical testing. Allele origin: germline.

Illumina Laboratory Services, Illumina
Classification: Benign for Pseudohypoaldosteronism type 2B. Last evaluated: 2018-01-13. Review status: criteria provided, single submitter. Criteria: ICSL Variant Classification Criteria 13 December 2019. Collection method: clinical testing. Allele origin: germline.
Comment: This variant was observed in the ICSL laboratory as part of a predisposition screen in an ostensibly healthy population. It had not been previously curated by ICSL or reported in the Human Gene Mutation Database (HGMD: prior to June 1st, 2018), and was therefore a candidate for classification through an automated scoring system. Utilizing variant allele frequency, disease prevalence and penetrance estimates, and inheritance mode, an automated score was calculated to assess if this variant is too frequent to cause the disease. Based on the score and internal cut-off values, a variant classified as benign is not then subjected to further curation. The score for this variant resulted in a classification of benign for this disease.

Breakthrough Genomics
Classification: Benign. Review status: criteria provided, single submitter. Criteria: ACMG Guidelines, 2015. Collection method: not provided. Allele origin: germline. Inheritance: Autosomal dominant inheritance. Affected: yes.

NM_032387.5(WNK4):c.2334C>T (p.Leu778=)

Gene: WNK4 (WNK lysine deficient protein kinase 4; plus strand). Cytogenetic location: 17q21.2.
Variant type: single nucleotide variant.
Coding change: c.2334C>T on transcript NM_032387.5 (MANE Select); coding-DNA position 2334, C replaced by T.
Protein change: p.Leu778=; no amino-acid change (leucine 778 retained).
Molecular consequence: synonymous variant.
Genome position (GRCh38, 1-based): chr17:42,794,652, C>T. VCF-style: chr17-42794652-C-T. GRCh37 (hg19) VCF-style: chr17-40946670-C-T.
Other names: c.1326C>T, p.Leu442= (NM_001321299.2).
Identifiers: ClinVar variation 323338 (VCV000323338.11), dbSNP rs61755621, ClinGen allele CA8584351.